The following is an entry in ClinVar:

NM_001371986.1(UNC80):c.9509C>T (p.Ala3170Val)

Gene: UNC80 (unc-80 subunit of NALCN channel complex; plus strand). Cytogenetic location: 2q34.
Variant type: single nucleotide variant.
Coding change: c.9509C>T on transcript NM_001371986.1 (MANE Select); coding-DNA position 9509, C replaced by T.
Protein change: p.Ala3170Val; replaces alanine 3170 with valine.
Molecular consequence: missense variant.
Genome position (GRCh38, 1-based): chr2:209,994,065, C>T. VCF-style: chr2-209994065-C-T. GRCh37 (hg19) VCF-style: chr2-210858789-C-T.
Other names: c.9311C>T, p.Ala3104Val (NM_032504.2); c.9239C>T, p.Ala3080Val (NM_182587.4); c.9311C>T (NM_032504.1); short protein forms A3170V, A3080V, A3104V.
Identifiers: ClinVar variation 1393218 (VCV001393218.5), dbSNP rs866658624, ClinGen allele CA64665378.

ClinVar aggregate classification (germline): Conflicting classifications of pathogenicity. Review status: criteria provided, conflicting classifications (1 of 4 stars). 3 submissions from 3 submitters: Uncertain significance (2); Likely benign (1). Last evaluated 2024-10-29.

Conditions:
Inborn genetic diseases. Identifiers: MedGen C0950123, MeSH D030342.

Allele frequency attached by ClinVar (database versions not stated): gnomAD exomes 0.00001 and 0.00002; gnomAD 0.00002; TOPMed 0.00007.
gnomAD v4.1: 17 of 1,548,064 alleles (0.0011%); highest among the groups gnomAD compares: African/African-American, 0.011%; no homozygotes.

Submissions (3):

Ambry Genetics
Classification: Likely benign for Inborn genetic diseases. Last evaluated: 2024-10-29. Review status: criteria provided, single submitter. Criteria: Ambry Variant Classification Scheme 2023. Collection method: clinical testing. Allele origin: germline.

Labcorp Genetics (formerly Invitae), Labcorp
Classification: Uncertain significance. Last evaluated: 2022-08-22. Review status: criteria provided, single submitter. Criteria: Invitae Variant Classification Sherloc (09022015). Collection method: clinical testing. Allele origin: germline.
Comment: This sequence change replaces alanine, which is neutral and non-polar, with valine, which is neutral and non-polar, at codon 3104 of the UNC80 protein (p.Ala3104Val). This variant is present in population databases (no rsID available, gnomAD 0.01%). This variant has not been reported in the literature in individuals affected with UNC80-related conditions. ClinVar contains an entry for this variant (Variation ID: 1393218). Algorithms developed to predict the effect of missense changes on protein structure and function output the following: SIFT: "Not Available"; PolyPhen-2: "Benign"; Align-GVGD: "Not Available". The valine amino acid residue is found in multiple mammalian species, which suggests that this missense change does not adversely affect protein function. In summary, the available evidence is currently insufficient to determine the role of this variant in disease. Therefore, it has been classified as a Variant of Uncertain Significance.

Blueprint Genetics
Classification: Uncertain significance. Last evaluated: 2020-05-07. Review status: criteria provided, single submitter. Criteria: ACMG Guidelines, 2015. Collection method: clinical testing. Allele origin: germline.